The following is an entry in ClinVar:

NM_014845.6(FIG4):c.*8G>A

Gene: FIG4 (FIG4 phosphoinositide 5-phosphatase; plus strand). Cytogenetic location: 6q21.
Variant type: single nucleotide variant.
Coding change: c.*8G>A on transcript NM_014845.6 (MANE Select); 8 bases downstream of the stop codon, G replaced by A.
Molecular consequence: 3 prime UTR variant.
Genome position (GRCh38, 1-based): chr6:109,825,273, G>A. VCF-style: chr6-109825273-G-A. GRCh37 (hg19) VCF-style: chr6-110146476-G-A.
Identifiers: ClinVar variation 3340042 (VCV003340042.1).

ClinVar aggregate classification (germline): Uncertain significance (1 of 4 stars; one submission).

gnomAD v4.1: 53 of 1,611,984 alleles (0.0033%); highest among the groups gnomAD compares: South Asian, 0.0044%; no homozygotes.

Submission:

Women's Health and Genetics/Laboratory Corporation of America, LabCorp
Classification: Uncertain significance. Last evaluated: 2024-06-17. Review status: criteria provided, single submitter. Criteria: LabCorp Variant Classification Summary - May 2015. Collection method: clinical testing. Allele origin: germline.
Comment: Variant summary: FIG4 c.*8G>A is located in the untranslated mRNA region downstream of the termination codon. The variant allele was found at a frequency of 1.2e-05 in 250528 control chromosomes. The available data on variant occurrences in the general population are insufficient to allow any conclusion about variant significance. To our knowledge, no occurrence of c.*8G>A in individuals affected with Charcot-Marie Disease Type 4J and no experimental evidence demonstrating its impact on protein function have been reported. No submitters have cited clinical-significance assessments for this variant to ClinVar. Based on the evidence outlined above, the variant was classified as uncertain significance.